The following is an entry in ClinVar:

ClinVar aggregate classification (germline): Uncertain significance. Review status: criteria provided, single submitter (1 of 4 stars). 2 submissions from 2 submitters: Uncertain significance (1). 1 of the submissions does not count toward it. Last evaluated 2024-10-15.

Conditions:
SBF2-related disorder. Also called: SBF2-related condition.
Charcot-Marie-Tooth disease type 4. Also called: Charcot-Marie-Tooth disease, type IV; Charcot-Marie-Tooth, Type 4. Identifiers: Orphanet 64749, MedGen C4082197, MONDO:0018995.

Allele frequency attached by ClinVar (database versions not stated): gnomAD exomes below 0.00001; ExAC 0.00001.
gnomAD v4.1: 2 of 1,612,672 alleles (0.00012%); highest among the groups gnomAD compares: Non-Finnish European, 0.00017%; no homozygotes.

Submissions (2):

Labcorp Genetics (formerly Invitae), Labcorp
Classification: Uncertain significance for Charcot-Marie-Tooth disease type 4. Last evaluated: 2024-10-15. Review status: criteria provided, single submitter. Criteria: Invitae Variant Classification Sherloc (09022015). Collection method: clinical testing. Allele origin: germline.
Comment: This sequence change replaces leucine, which is neutral and non-polar, with phenylalanine, which is neutral and non-polar, at codon 234 of the SBF2 protein (p.Leu234Phe). This variant is present in population databases (rs749378136, gnomAD 0.0009%). This variant has not been reported in the literature in individuals affected with SBF2-related conditions. ClinVar contains an entry for this variant (Variation ID: 188199). Invitae Evidence Modeling of protein sequence and biophysical properties (such as structural, functional, and spatial information, amino acid conservation, physicochemical variation, residue mobility, and thermodynamic stability) indicates that this missense variant is expected to disrupt SBF2 protein function with a positive predictive value of 80%. In summary, the available evidence is currently insufficient to determine the role of this variant in disease. Therefore, it has been classified as a Variant of Uncertain Significance.

PreventionGenetics, part of Exact Sciences
Classification: Uncertain significance for SBF2-related condition. Last evaluated: 2024-07-03. Review status: no assertion criteria provided. Collection method: clinical testing. Allele origin: germline. Not counted in ClinVar's aggregate classification.
Comment: The SBF2 c.700C>T variant is predicted to result in the amino acid substitution p.Leu234Phe. To our knowledge, this variant has not been reported in the literature. This variant is reported in 0.00088% of alleles in individuals of European (Non-Finnish) descent in gnomAD. At this time, the clinical significance of this variant is uncertain due to the absence of conclusive functional and genetic evidence.

NM_030962.4(SBF2):c.700C>T (p.Leu234Phe)

Gene: SBF2 (SET binding factor 2; minus strand). Cytogenetic location: 11p15.4.
Variant type: single nucleotide variant.
Coding change: c.700C>T on transcript NM_030962.4 (MANE Select); coding-DNA position 700, C replaced by T.
Protein change: p.Leu234Phe; replaces leucine 234 with phenylalanine.
Molecular consequence: missense variant.
Genome position (GRCh38, 1-based): chr11:10,002,609, G>A on the plus strand (C>T on the coding strand, the complement: SBF2 is on the minus strand). VCF-style: chr11-10002609-G-A. GRCh37 (hg19) VCF-style: chr11-10024156-G-A.
Other names: c.700C>T, p.Leu234Phe (NM_001386339.1, NM_001386342.1); short protein forms L234F.
Identifiers: ClinVar variation 188199 (VCV000188199.14), dbSNP rs749378136, ClinGen allele CA334295.